The following is an entry in ClinVar:

ClinVar aggregate classification (germline): Uncertain significance (1 of 4 stars; one submission).

Conditions:
Autosomal recessive limb-girdle muscular dystrophy type 2J (LGMDR10). Also called: MUSCULAR DYSTROPHY, LIMB-GIRDLE, AUTOSOMAL RECESSIVE 10; Limb-girdle muscular dystrophy, type 2J. Identifiers: Orphanet 140922, MedGen C1837342, MONDO:0012127, OMIM 608807.
Dilated cardiomyopathy 1G (CMD1G). Identifiers: Orphanet 154, MedGen C1858763, MONDO:0011400, OMIM 604145.

Allele frequency attached by ClinVar (database versions not stated): gnomAD exomes below 0.00001; gnomAD 0.00001.
gnomAD v4.1: 2 of 1,613,682 alleles (0.00012%); highest among the groups gnomAD compares: African/African-American, 0.0013%; no homozygotes.

Submission:

Labcorp Genetics (formerly Invitae), Labcorp
Classification: Uncertain significance for Dilated cardiomyopathy 1G; Autosomal recessive limb-girdle muscular dystrophy type 2J. Last evaluated: 2025-12-16. Review status: criteria provided, single submitter. Criteria: Invitae Variant Classification Sherloc (09022015). Collection method: clinical testing. Allele origin: germline.
Comment: This sequence change replaces proline, which is neutral and non-polar, with serine, which is neutral and polar, at codon 31790 of the TTN protein (p.Pro31790Ser). This variant is present in population databases (no rsID available, gnomAD 0.01%). This variant has not been reported in the literature in individuals affected with TTN-related conditions. ClinVar contains an entry for this variant (Variation ID: 1413091). Experimental studies and prediction algorithms are not available or were not evaluated, and the functional significance of this variant is currently unknown. This variant is located in the A band of TTN (PMID: 25589632). Variants in this region may be relevant for cardiac or neuromuscular disorders (PMID: 25589632, 23975875). In summary, the available evidence is currently insufficient to determine the role of this variant in disease. Therefore, it has been classified as a Variant of Uncertain Significance.

Literature cited by the submitters: PubMed 25589632; PubMed 23975875.

NM_001267550.2(TTN):c.95368C>T (p.Pro31790Ser)

Genes: TTN (titin; minus strand), TTN-AS1 (TTN antisense RNA 1; plus strand). Cytogenetic location: 2q31.2.
Variant type: single nucleotide variant.
Coding change: c.95368C>T on transcript NM_001267550.2 (MANE Select); coding-DNA position 95368, C replaced by T.
Protein change: p.Pro31790Ser; replaces proline 31790 with serine.
Molecular consequence: missense variant.
Genome position (GRCh38, 1-based): chr2:178,545,868, G>A on the plus strand (C>T on the coding strand, the complement: TTN is on the minus strand). VCF-style: chr2-178545868-G-A. GRCh37 (hg19) VCF-style: chr2-179410595-G-A.
Other names: c.90445C>T, p.Pro30149Ser (NM_001256850.1); c.68173C>T, p.Pro22725Ser (NM_003319.4); c.87664C>T, p.Pro29222Ser (NM_133378.4); c.68548C>T, p.Pro22850Ser (NM_133432.3); c.68749C>T, p.Pro22917Ser (NM_133437.4); short protein forms P22917S, P30149S, P22725S, P31790S, P22850S, P29222S.
Identifiers: ClinVar variation 1413091 (VCV001413091.6), dbSNP rs1235693684, ClinGen allele CA349462489.